The following is an entry in ClinVar:

NM_001134407.3(GRIN2A):c.2833G>A (p.Asp945Asn)

Gene: GRIN2A (glutamate ionotropic receptor NMDA type subunit 2A; minus strand). Cytogenetic location: 16p13.2.
Variant type: single nucleotide variant.
Coding change: c.2833G>A on transcript NM_001134407.3 (MANE Select); coding-DNA position 2833, G replaced by A.
Protein change: p.Asp945Asn; replaces aspartic acid 945 with asparagine.
Molecular consequence: missense variant.
Genome position (GRCh38, 1-based): chr16:9,764,711, C>T on the plus strand (G>A on the coding strand, the complement: GRIN2A is on the minus strand). VCF-style: chr16-9764711-C-T. GRCh37 (hg19) VCF-style: chr16-9858568-C-T.
Other names: c.2833G>A, p.Asp945Asn (NM_000833.5, NM_001134408.2); short protein forms D945N.
Identifiers: ClinVar variation 1408019 (VCV001408019.6), dbSNP rs1305013569, ClinGen allele CA394709260.

ClinVar aggregate classification (germline): Uncertain significance (1 of 4 stars; one submission).

Conditions:
Landau-Kleffner syndrome (FESD). Also called: APHASIA, ACQUIRED, WITH EPILEPSY; EPILEPSY, FOCAL, WITH SPEECH DISORDER AND WITH OR WITHOUT MENTAL RETARDATION. Identifiers: Orphanet 1945, Orphanet 725, Orphanet 98818, MedGen C0282512, MONDO:0009509, OMIM 245570.

Allele frequency attached by ClinVar (database versions not stated): gnomAD exomes below 0.00001; TOPMed below 0.00001; gnomAD 0.00001.
gnomAD v4.1: 6 of 1,614,098 alleles (0.00037%); highest among the groups gnomAD compares: Non-Finnish European, 0.00042%; no homozygotes.

Submission:

Labcorp Genetics (formerly Invitae), Labcorp
Classification: Uncertain significance for Landau-Kleffner syndrome. Last evaluated: 2021-09-18. Review status: criteria provided, single submitter. Criteria: Invitae Variant Classification Sherloc (09022015). Collection method: clinical testing. Allele origin: germline.
Comment: This sequence change replaces aspartic acid with asparagine at codon 945 of the GRIN2A protein (p.Asp945Asn). The aspartic acid residue is moderately conserved and there is a small physicochemical difference between aspartic acid and asparagine. This variant is not present in population databases (ExAC no frequency). This variant has not been reported in the literature in individuals affected with GRIN2A-related conditions. Advanced modeling of protein sequence and biophysical properties (such as structural, functional, and spatial information, amino acid conservation, physicochemical variation, residue mobility, and thermodynamic stability) performed at Invitae indicates that this missense variant is not expected to disrupt GRIN2A protein function. In summary, the available evidence is currently insufficient to determine the role of this variant in disease. Therefore, it has been classified as a Variant of Uncertain Significance.